The following is an entry in ClinVar:

NM_006019.4(TCIRG1):c.40C>T (p.Gln14Ter)

Gene: TCIRG1 (T cell immune regulator 1, ATPase H+ transporting V0 subunit a3; plus strand). Cytogenetic location: 11q13.2.
Variant type: single nucleotide variant.
Coding change: c.40C>T on transcript NM_006019.4 (MANE Select); coding-DNA position 40, C replaced by T.
Protein change: p.Gln14Ter; replaces glutamine 14 with a stop codon.
Molecular consequence: nonsense. On other transcripts: 5 prime UTR variant (1).
Genome position (GRCh38, 1-based): chr11:68,041,311, C>T. VCF-style: chr11-68041311-C-T. GRCh37 (hg19) VCF-style: chr11-67808778-C-T.
Other names: c.-1210C>T (NM_001351059.2); short protein forms Q14*.
Identifiers: ClinVar variation 2030552 (VCV002030552.4), dbSNP rs2495606713, ClinGen allele CA381572671.
Genomic context (GRCh38, chr11:68,041,311, plus strand): 5'-TCCGTGTCCACCCACAGGACCATGGGCTCCATGTTCCGGAGCGAGGAGGTGGCCCTGGTC[C>T]AGCTCTTTCTGCCCACAGCGGCTGCCTACACCTGCGTGAGTCGGCTGGGCGAGCTGGGCC-3'

ClinVar aggregate classification (germline): Pathogenic (1 of 4 stars; one submission).

Submission:

Labcorp Genetics (formerly Invitae), Labcorp
Classification: Pathogenic. Last evaluated: 2022-09-23. Review status: criteria provided, single submitter. Criteria: Invitae Variant Classification Sherloc (09022015). Collection method: clinical testing. Allele origin: germline.
Comment: This sequence change creates a premature translational stop signal (p.Gln14*) in the TCIRG1 gene. It is expected to result in an absent or disrupted protein product. Loss-of-function variants in TCIRG1 are known to be pathogenic (PMID: 10888887, 10942435, 11532986, 19448635). This variant is not present in population databases (gnomAD no frequency). This variant has not been reported in the literature in individuals affected with TCIRG1-related conditions. For these reasons, this variant has been classified as Pathogenic.

Literature cited by the submitters: PubMed 10888887; PubMed 10942435; PubMed 11532986; PubMed 19448635.